The following is an entry in ClinVar:

NM_001283009.2(RTEL1):c.2600C>T (p.Pro867Leu)

Genes: RTEL1 (regulator of telomere elongation helicase 1; plus strand), RTEL1-TNFRSF6B (RTEL1-TNFRSF6B readthrough (NMD candidate); plus strand). Cytogenetic location: 20q13.33.
Variant type: single nucleotide variant.
Coding change: c.2600C>T on transcript NM_001283009.2 (MANE Select); coding-DNA position 2600, C replaced by T.
Protein change: p.Pro867Leu; replaces proline 867 with leucine.
Molecular consequence: missense variant. On other transcripts: non-coding transcript variant (1).
Genome position (GRCh38, 1-based): chr20:63,691,785, C>T. VCF-style: chr20-63691785-C-T. GRCh37 (hg19) VCF-style: chr20-62323138-C-T.
Other names: c.1931C>T, p.Pro644Leu (NM_001283010.1); c.2600C>T, p.Pro867Leu (NM_016434.4); c.2672C>T, p.Pro891Leu (NM_032957.5); short protein forms P867L, P891L, P644L.
Identifiers: ClinVar variation 436589 (VCV000436589.22), dbSNP rs139083375, ClinGen allele CA9965425.

ClinVar aggregate classification (germline): Uncertain significance. Review status: criteria provided, multiple submitters, no conflicts (2 of 4 stars). 9 submissions from 9 submitters: Uncertain significance (8). 1 of the submissions does not count toward it. Last evaluated 2026-01-21.

Conditions:
Dyskeratosis congenita. Identifiers: Orphanet 1775, MedGen C0265965, MONDO:0015780.
Pulmonary fibrosis and/or bone marrow failure, Telomere-related, 3. Also called: PULMONARY FIBROSIS AND/OR BONE MARROW FAILURE SYNDROME, TELOMERE-RELATED, 3. Identifiers: Orphanet 2032, MedGen C4225346, MONDO:0014613, OMIM 616373.
Dyskeratosis congenita, autosomal recessive 5 (DKCB5). Identifiers: MedGen C3554656, MONDO:0014076, OMIM 615190.

Allele frequency attached by ClinVar (database versions not stated): ExAC 0.00043; gnomAD exomes 0.00045; TOPMed 0.00058; ESP Exome Variant Server 0.00062; gnomAD 0.00065; 1000 Genomes Project 30x 0.00078; 1000 Genomes Project 0.00080.
gnomAD v4.1: 1,170 of 1,612,468 alleles (0.073%); highest among the groups gnomAD compares: Non-Finnish European, 0.089%; 3 homozygotes.

Submissions (9):

Labcorp Genetics (formerly Invitae), Labcorp
Classification: Uncertain significance for Dyskeratosis congenita, autosomal recessive 5; Pulmonary fibrosis and/or bone marrow failure, Telomere-related, 3. Last evaluated: 2026-01-21. Review status: criteria provided, single submitter. Criteria: Invitae Variant Classification Sherloc (09022015). Collection method: clinical testing. Allele origin: germline.
Comment: This sequence change replaces proline, which is neutral and non-polar, with leucine, which is neutral and non-polar, at codon 867 of the RTEL1 protein (p.Pro867Leu). This variant is present in population databases (rs139083375, gnomAD 0.08%), and has an allele count higher than expected for a pathogenic variant. This missense change has been observed in individual(s) with hematological abnormalities (PMID: 29344583). ClinVar contains an entry for this variant (Variation ID: 436589). An algorithm developed to predict the effect of missense changes on protein structure and function outputs the following: PolyPhen-2: "Benign". The leucine amino acid residue is found in multiple mammalian species, which suggests that this missense change does not adversely affect protein function. In summary, the available evidence is currently insufficient to determine the role of this variant in disease. Therefore, it has been classified as a Variant of Uncertain Significance.

Blueprint Genetics
Classification: Uncertain significance. Last evaluated: 2024-11-01. Review status: criteria provided, single submitter. Criteria: ACMG Guidelines, 2015. Collection method: clinical testing. Allele origin: germline.

Fulgent Genetics
Classification: Uncertain significance for Dyskeratosis congenita, autosomal recessive 5; Pulmonary fibrosis and/or bone marrow failure, Telomere-related, 3. Last evaluated: 2024-04-04. Review status: criteria provided, single submitter. Criteria: ACMG Guidelines, 2015. Collection method: clinical testing. Allele origin: germline.

GeneDx
Classification: Uncertain significance. Last evaluated: 2024-02-27. Review status: criteria provided, single submitter. Criteria: GeneDx Variant Classification Process June 2021. Collection method: clinical testing. Allele origin: germline. Affected: yes.
Comment: Observed in individuals with macrocytosis and aplastic anemia (PMID: 29344583); In silico analysis supports that this missense variant does not alter protein structure/function; Also known as P867L; This variant is associated with the following publications: (PMID: 29344583)

Sema4
Classification: Uncertain significance for Dyskeratosis congenita. Last evaluated: 2021-11-16. Review status: criteria provided, single submitter. Criteria: Sema4 Curation Guidelines. Collection method: curation. Allele origin: germline.
Comment: The RTEL1 c.2600C>T (p.P867L ) variant has been reported in heterozygosity in at least 2 individuals with macrocytosis and moderate aplastic anemia (PMID: 29344583). It was observed in 124/280212 chromosomes across all populations, with no homozygotes, in the large and broad cohorts of the Genome Aggregation Database (PMID: 32461654). The variant has been reported in ClinVar (Variation ID 436589). In silico tools suggest the impact of the variant on protein function is benign, though these predictions have not been confirmed by functional studies. The evidence is insufficient to meet ACMG/AMP criteria for classifying the variant as benign or pathogenic. Thus, the clinical significance of this variant is currently uncertain.

Baylor Genetics
Classification: Uncertain significance for Pulmonary fibrosis and/or bone marrow failure, Telomere-related, 3. Last evaluated: 2018-02-05. Review status: criteria provided, single submitter. Criteria: ACMG Guidelines, 2015. Collection method: clinical testing. Allele origin: maternal. Affected: yes.
Comment: This variant was determined to be of uncertain significance according to ACMG Guidelines, 2015 [PMID:25741868].

Genetic Services Laboratory, University of Chicago
Classification: Uncertain significance. Last evaluated: 2015-12-07. Review status: criteria provided, single submitter. Criteria: ACMG Guidelines, 2015. Collection method: clinical testing. Allele origin: germline. Affected: no.

Center for Genomics, Ann and Robert H. Lurie Children's Hospital of Chicago
Classification: Uncertain significance for Pulmonary fibrosis and/or bone marrow failure, Telomere-related, 3; Dyskeratosis congenita, autosomal recessive 5. Review status: criteria provided, single submitter. Criteria: ACMG Guidelines, 2015. Collection method: clinical testing. Allele origin: germline.
Comment: RTEL1 NM_032957.4 exon 28 p.Pro891Leu (c.2672C>T): This variant has not been reported in the literature but is present in 0.07% (95/126948) of European alleles in the Genome Aggregation Database. This variant is present in ClinVar (Variation ID:436589). This variant amino acid Leucine (Leu) is present in >20 species and is not well conserved among evolutionarily distant species; this suggests that this variant may not impact the protein. Additional computational prediction tools do not suggest an impact. In summary, data on this variant is insufficient for disease classification. Therefore, the clinical significance of this variant is uncertain.

Natera, Inc.
Classification: Uncertain significance for Dyskeratosis congenita. Last evaluated: 2020-01-17. Review status: no assertion criteria provided. Collection method: clinical testing. Allele origin: germline. Not counted in ClinVar's aggregate classification.

Literature cited by the submitters: PubMed 29344583 (cited by Labcorp Genetics (formerly Invitae), Labcorp and Sema4).